The following is an entry in ClinVar:

NM_030943.4(AMN):c.1253dup (p.Leu419fs)

Gene: AMN (amnion associated transmembrane protein; plus strand). Cytogenetic location: 14q32.32.
Variant type: Duplication.
Coding change: c.1253dup on transcript NM_030943.4 (MANE Select); coding-DNA position 1253, one base duplicated (A; older notation c.1253dupA).
Protein change: p.Leu419fs; shifts the reading frame from leucine 419.
Molecular consequence: frameshift variant.
Genome position (GRCh38, 1-based): chr14:102,930,489, A duplicated. VCF-style (leftmost placement, unchanged base first): chr14-102930488-G-GA. GRCh37 (hg19) VCF-style: chr14-103396825-G-GA.
Other names: c.1253dupA (NM_030943.3); short protein forms L419fs.
Identifiers: ClinVar variation 56746 (VCV000056746.2), dbSNP rs386834165, ClinGen allele CA144404.

ClinVar aggregate classification (germline): Likely pathogenic (0 of 4 stars; one submission).

Conditions:
Imerslund-Grasbeck syndrome. Also called: PERNICIOUS ANEMIA, JUVENILE, DUE TO SELECTIVE INTESTINAL MALABSORPTION OF VITAMIN B12, WITH PROTEINURIA; Megaloblastic anemia due to inborn errors of metabolism; Imerslund-Gräsbeck syndrome; ENTEROCYTE COBALAMIN MALABSORPTION; ENTEROCYTE INTRINSIC FACTOR RECEPTOR, DEFECT OF. Identifiers: Orphanet 35858, MedGen C4551825, MONDO:0009853.

Submission:

Juha Muilu Group; Institute for Molecular Medicine Finland (FIMM)
Classification: Likely pathogenic for Megaloblastic anemia due to inborn errors of metabolism. Review status: no assertion criteria provided. Collection method: not provided. Allele origin: unknown.
Comment: FinDis database variant: This variant was not found or characterized by our laboratory, data were collected from public sources: see reference
ClinVar note: Converted during submission from probable-pathogenic to Likely pathogenic.